The following is an entry in ClinVar:

ClinVar aggregate classification (germline): Likely benign (0 of 4 stars; one submission).

Conditions:
PROM1-related disorder. Also called: PROM1-related disorders; PROM1-related condition.

Submission:

PreventionGenetics, part of Exact Sciences
Classification: Likely benign for PROM1-related condition. Last evaluated: 2020-06-05. Review status: no assertion criteria provided. Collection method: clinical testing. Allele origin: germline.
Comment: This variant is classified as likely benign based on ACMG/AMP sequence variant interpretation guidelines (Richards et al. 2015 PMID: 25741868, with internal and published modifications).

NM_006017.3(PROM1):c.1767+6T>G

Gene: PROM1 (prominin 1; minus strand). Cytogenetic location: 4p15.32.
Variant type: single nucleotide variant.
Coding change: c.1767+6T>G on transcript NM_006017.3 (MANE Select); 6 bases into the intron after coding-DNA position 1767, T replaced by G.
Molecular consequence: intron variant.
Genome position (GRCh38, 1-based): chr4:15,993,981, A>C on the plus strand (T>G on the coding strand, the complement: PROM1 is on the minus strand). VCF-style: chr4-15993981-A-C. GRCh37 (hg19) VCF-style: chr4-15995604-A-C.
Other names: c.1740+6T>G (NM_001145848.2, NM_001145852.2, NM_001145847.2 and 4 more transcripts); c.1767+6T>G (NM_001145850.2, NM_001145849.2).
Identifiers: ClinVar variation 3041291 (VCV003041291.2), dbSNP rs1721689362, ClinGen allele CA1059667281.